The following is an entry in ClinVar:

ClinVar aggregate classification (germline): Conflicting classifications of pathogenicity. Review status: criteria provided, conflicting classifications (1 of 4 stars). 3 submissions from 3 submitters: Likely pathogenic (1); Uncertain significance (1). 1 of the submissions does not count toward it. Last evaluated 2025-11-17.

Conditions:
Central core myopathy (CMYO1A). Also called: CONGENITAL MYOPATHY 1A, AUTOSOMAL DOMINANT, WITH SUSCEPTIBILITY TO MALIGNANT HYPERTHERMIA; Central core disease; Myopathy, central fibrillar. Identifiers: Orphanet 597, MedGen C5830701, MONDO:0007294, OMIM 117000.

Submissions (3):

Women's Health and Genetics/Laboratory Corporation of America, LabCorp
Classification: Uncertain significance. Last evaluated: 2025-11-17. Review status: criteria provided, single submitter. Criteria: LabCorp Variant Classification Summary - May 2015. Collection method: clinical testing. Allele origin: germline.
Comment: Variant summary: RYR1 c.12853_12864dup12 (p.Thr4285_Thr4288dup) results in an in-frame duplication that is predicted to duplicate four amino acids into the encoded protein. The variant was absent in 2558 control chromosomes. The available data on variant occurrences in the general population are insufficient to allow any conclusion about variant significance. c.12853_12864dup12 has been observed in at least one compound heterozygous individual with central core disease and the variant was found to be carried in trans with a pathogenic variant (example: Iodice_2019). This data does not allow any conclusion about variant significance. To our knowledge, no experimental evidence demonstrating an impact on protein function has been reported. The following publication has been ascertained in the context of this evaluation (PMID: 31191425). ClinVar contains an entry for this variant (Variation ID: 1696863). Based on the evidence outlined above, the variant was classified as uncertain significance.

GeneDx
Classification: Likely pathogenic. Last evaluated: 2024-08-09. Review status: criteria provided, single submitter. Criteria: GeneDx Variant Classification Process June 2021. Collection method: clinical testing. Allele origin: germline. Affected: yes.
Comment: Not observed at significant frequency in large population cohorts (gnomAD); In-frame duplication of 4 amino acids in a non-repeat region; This variant is associated with the following publications: (PMID: 31191425)

Center for Human Genetics and Genomic Medicine, Uniklinik Rwth Aachen
Classification: Uncertain significance for Central core myopathy. Last evaluated: 2022-05-31. Review status: no assertion criteria provided. Collection method: clinical testing. Allele origin: unknown. Inheritance: Autosomal dominant inheritance. Affected: yes. Not counted in ClinVar's aggregate classification.
Comment: It is absent from gnomAD database and it has one entry in ClinVar but no clinical details are given. We classified it as a variant of unknown significance.

Literature cited by the submitters: PubMed 31191425 (cited by Women's Health and Genetics/Laboratory Corporation of America, LabCorp).

NM_000540.3(RYR1):c.12853_12864dup (p.Thr4285_Thr4288dup)

Gene: RYR1 (ryanodine receptor 1; plus strand). Cytogenetic location: 19q13.2.
Variant type: Duplication.
Coding change: c.12853_12864dup on transcript NM_000540.3 (MANE Select); coding-DNA positions 12853 to 12864, 12 bases duplicated (ACGGCGGCCACG).
Protein change: p.Thr4285_Thr4288dup.
Molecular consequence: inframe insertion.
Genome position (GRCh38, 1-based): chr19:38,565,187-38,565,198, ACGGCGGCCACG duplicated. VCF-style (leftmost placement, unchanged base first): chr19-38565186-C-CACGGCGGCCACG. GRCh37 (hg19) VCF-style: chr19-39055826-C-CACGGCGGCCACG.
Other names: c.12838_12849dup, p.Thr4280_Thr4283dup (NM_001042723.2); c.12853_12864dup (NM_000540.2); c.12853_12864dup12 (NM_000540.3).
Identifiers: ClinVar variation 1696863 (VCV001696863.5), dbSNP rs1599634685, ClinGen allele CA915953152.